The following is an entry in ClinVar:

NM_000051.4(ATM):c.1751A>G (p.Gln584Arg)

Gene: ATM (ATM serine/threonine kinase; plus strand). Cytogenetic location: 11q22.3.
Variant type: single nucleotide variant.
Coding change: c.1751A>G on transcript NM_000051.4 (MANE Select); coding-DNA position 1751, A replaced by G.
Protein change: p.Gln584Arg; replaces glutamine 584 with arginine.
Molecular consequence: missense variant.
Genome position (GRCh38, 1-based): chr11:108,251,980, A>G. VCF-style: chr11-108251980-A-G. GRCh37 (hg19) VCF-style: chr11-108122707-A-G.
Other names: c.1751A>G, p.Gln584Arg (NM_001351834.2); short protein forms Q584R.
Identifiers: ClinVar variation 819974 (VCV000819974.6), dbSNP rs876660149, ClinGen allele CA382535372.

ClinVar aggregate classification (germline): Uncertain significance. Review status: criteria provided, multiple submitters, no conflicts (2 of 4 stars). 2 submissions from 2 submitters: Uncertain significance (2). Last evaluated 2024-03-16.

Conditions:
Hereditary cancer-predisposing syndrome. Also called: Hereditary Cancer Syndrome; Neoplastic Syndromes, Hereditary; Hereditary neoplastic syndrome; Tumor predisposition. Identifiers: Orphanet 140162, MedGen C0027672, MeSH D009386, MONDO:0015356.
Ataxia-telangiectasia syndrome (AT). Also called: Cerebello-oculocutaneous telangiectasia; Immunodeficiency with ataxia telangiectasia; Ataxia-telangiectasia, complementation group E; Ataxia-telangiectasia, complementation group D; AT, COMPLEMENTATION GROUP C; ATAXIA-TELANGIECTASIA, COMPLEMENTATION GROUP A. Identifiers: Orphanet 100, MedGen C0004135, MONDO:0008840, OMIM 208900.

Submissions (2):

Labcorp Genetics (formerly Invitae), Labcorp
Classification: Uncertain significance for Ataxia-telangiectasia syndrome. Last evaluated: 2024-03-16. Review status: criteria provided, single submitter. Criteria: Invitae Variant Classification Sherloc (09022015). Collection method: clinical testing. Allele origin: germline.
Comment: This sequence change replaces glutamine, which is neutral and polar, with arginine, which is basic and polar, at codon 584 of the ATM protein (p.Gln584Arg). This variant is not present in population databases (gnomAD no frequency). This variant has not been reported in the literature in individuals affected with ATM-related conditions. ClinVar contains an entry for this variant (Variation ID: 819974). An algorithm developed to predict the effect of missense changes on protein structure and function (PolyPhen-2) suggests that this variant is likely to be tolerated. In summary, the available evidence is currently insufficient to determine the role of this variant in disease. Therefore, it has been classified as a Variant of Uncertain Significance.

Ambry Genetics
Classification: Uncertain significance for Hereditary cancer-predisposing syndrome. Last evaluated: 2019-06-24. Review status: criteria provided, single submitter. Criteria: Ambry Variant Classification Scheme 2023. Collection method: clinical testing. Allele origin: germline.
Comment: The p.Q584R variant (also known as c.1751A>G), located in coding exon 10 of the ATM gene, results from an A to G substitution at nucleotide position 1751. The glutamine at codon 584 is replaced by arginine, an amino acid with highly similar properties. This amino acid position is not well conserved in available vertebrate species. In addition, this alteration is predicted to be tolerated by in silico analysis. Since supporting evidence is limited at this time, the clinical significance of this alteration remains unclear.